The following is an entry in ClinVar:

NM_024675.4(PALB2):c.896C>T (p.Ser299Phe)

Gene: PALB2 (partner and localizer of BRCA2; minus strand). Cytogenetic location: 16p12.2.
Variant type: single nucleotide variant.
Coding change: c.896C>T on transcript NM_024675.4 (MANE Select); coding-DNA position 896, C replaced by T.
Protein change: p.Ser299Phe; replaces serine 299 with phenylalanine.
Molecular consequence: missense variant.
Genome position (GRCh38, 1-based): chr16:23,635,650, G>A on the plus strand (C>T on the coding strand, the complement: PALB2 is on the minus strand). VCF-style: chr16-23635650-G-A. GRCh37 (hg19) VCF-style: chr16-23646971-G-A.
Other names: short protein forms S299F.
Identifiers: ClinVar variation 1004029 (VCV001004029.11), dbSNP rs1967011427, ClinGen allele CA395135585.
Genomic context (GRCh38, chr16:23,635,650, plus strand): 5'-GAACTTGTGGGCAGTTGGCCACTTTTACTTATAGCTTTATTTACAAGGAGGTTATCTGTA[G>A]AGACAGTCATTTTTTTGCCTTGTGCCTCCAAACTTACAGGTGAAGTAAATCTAATGTTTT-3'
Protein context (NP_078951.2, residues 289-309): LEAQGKKMTV[Ser299Phe]TDNLLVNKAI

ClinVar aggregate classification (germline): Uncertain significance. Review status: criteria provided, multiple submitters, no conflicts (2 of 4 stars). 2 submissions from 2 submitters: Uncertain significance (2). Last evaluated 2023-12-06.

Conditions:
Hereditary cancer-predisposing syndrome. Also called: Hereditary neoplastic syndrome; Neoplastic Syndromes, Hereditary; Tumor predisposition; Hereditary Cancer Syndrome. Identifiers: Orphanet 140162, MedGen C0027672, MeSH D009386, MONDO:0015356.
Familial cancer of breast. Also called: Hereditary breast cancer; hereditary breast carcinoma; BREAST CANCER, FAMILIAL. Identifiers: Orphanet 227535, MedGen C0346153, MONDO:0016419, OMIM 114480. Disease mechanism: loss of function.

Allele frequency attached by ClinVar (database versions not stated): gnomAD exomes below 0.00001.
gnomAD v4.1: 1 of 1,614,048 alleles (0.000062%); highest among the groups gnomAD compares: Non-Finnish European, 0.000085%; no homozygotes.

Submissions (2):

Color Diagnostics, LLC DBA Color Health
Classification: Uncertain significance for Hereditary cancer-predisposing syndrome. Last evaluated: 2023-12-06. Review status: criteria provided, single submitter. Criteria: ACMG Guidelines, 2015. Collection method: clinical testing. Allele origin: germline.
Comment: This missense variant replaces serine with phenylalanine at codon 299 of the PALB2 protein. Computational prediction suggests that this variant may not impact protein structure and function. To our knowledge, functional studies have not been reported for this variant. This variant has been reported in a suspected hereditary breast and ovarian cancer family (PMID: 35610400). This variant has not been identified in the general population by the Genome Aggregation Database (gnomAD). The available evidence is insufficient to determine the role of this variant in disease conclusively. Therefore, this variant is classified as a Variant of Uncertain Significance.

Labcorp Genetics (formerly Invitae), Labcorp
Classification: Uncertain significance for Familial cancer of breast. Last evaluated: 2023-07-21. Review status: criteria provided, single submitter. Criteria: Invitae Variant Classification Sherloc (09022015). Collection method: clinical testing. Allele origin: germline.
Comment: This sequence change replaces serine, which is neutral and polar, with phenylalanine, which is neutral and non-polar, at codon 299 of the PALB2 protein (p.Ser299Phe). This variant is not present in population databases (gnomAD no frequency). This variant has not been reported in the literature in individuals affected with PALB2-related conditions. ClinVar contains an entry for this variant (Variation ID: 1004029). Advanced modeling of protein sequence and biophysical properties (such as structural, functional, and spatial information, amino acid conservation, physicochemical variation, residue mobility, and thermodynamic stability) performed at Invitae indicates that this missense variant is not expected to disrupt PALB2 protein function. In summary, the available evidence is currently insufficient to determine the role of this variant in disease. Therefore, it has been classified as a Variant of Uncertain Significance.

Literature cited by the submitters: PubMed 35610400 (cited by Color Diagnostics, LLC DBA Color Health).